The following is an entry in ClinVar:

ClinVar aggregate classification (germline): Uncertain significance (1 of 4 stars; one submission).

Conditions:
Inborn genetic diseases. Identifiers: MedGen C0950123, MeSH D030342.

gnomAD v4.1: 2 of 1,613,118 alleles (0.00012%); highest among the groups gnomAD compares: Non-Finnish European, 0.000085%; no homozygotes.

Submission:

Ambry Genetics
Classification: Uncertain significance for Inborn genetic diseases. Last evaluated: 2026-07-29. Review status: criteria provided, single submitter. Criteria: Ambry Variant Classification Scheme 2023. Collection method: clinical testing. Allele origin: germline.
Comment: The p.S28T variant (also known as c.82T>A), located in coding exon 2 of the ERCC6L2 gene, results from a T to A substitution at nucleotide position 82. The serine at codon 28 is replaced by threonine, an amino acid with similar properties. This amino acid position is conserved. In addition, this alteration is predicted to be tolerated by in silico analysis. Based on the available evidence, the clinical significance of this variant remains unclear.

NM_020207.7(ERCC6L2):c.82T>A (p.Ser28Thr)

Gene: ERCC6L2 (ERCC excision repair 6 like 2; plus strand). Cytogenetic location: 9q22.32.
Variant type: single nucleotide variant.
Coding change: c.82T>A on transcript NM_020207.7 (MANE Select); coding-DNA position 82, T replaced by A.
Protein change: p.Ser28Thr; replaces serine 28 with threonine.
Molecular consequence: missense variant. On other transcripts: non-coding transcript variant (1).
Genome position (GRCh38, 1-based): chr9:95,880,904, T>A. VCF-style: chr9-95880904-T-A. GRCh37 (hg19) VCF-style: chr9-98643186-T-A.
Other names: c.82T>A, p.Ser28Thr (NM_001010895.4, NM_001375291.1, NM_001375292.1 and 2 more transcripts); short protein forms S28T.
Identifiers: ClinVar variation 5036087 (VCV005036087.1).